The following is an entry in ClinVar:

NM_001128148.3(TFRC):c.1013C>G (p.Ser338Cys)

Gene: TFRC (transferrin receptor; minus strand). Cytogenetic location: 3q29.
Variant type: single nucleotide variant.
Coding change: c.1013C>G on transcript NM_001128148.3 (MANE Select); coding-DNA position 1013, C replaced by G.
Protein change: p.Ser338Cys; replaces serine 338 with cysteine.
Molecular consequence: missense variant.
Genome position (GRCh38, 1-based): chr3:196,067,545, G>C on the plus strand (C>G on the coding strand, the complement: TFRC is on the minus strand). VCF-style: chr3-196067545-G-C. GRCh37 (hg19) VCF-style: chr3-195794416-G-C.
Other names: c.770C>G, p.Ser257Cys (NM_001313965.2); c.167C>G, p.Ser56Cys (NM_001313966.2); c.1013C>G, p.Ser338Cys (NM_003234.4); short protein forms S257C, S56C, S338C.
Identifiers: ClinVar variation 2999496 (VCV002999496.3), dbSNP rs776805794, ClinGen allele CA2778112.
Genomic context (GRCh38, chr3:196,067,545, plus strand): 5'-ACTATGCAAGACCGCTTTCAAATAAAAACTTACCCAAACAGCTTTTCTGCAGCAGCTCTG[G>C]AGATTGTCTGGACAGGTATATTAGGCAATCCTGATGACCGAGATGGTGGAAACTGAGTGT-3'
Protein context (NP_001121620.1, residues 328-348): GLPNIPVQTI[Ser338Cys]RAAAEKLFGN

ClinVar aggregate classification (germline): Uncertain significance (1 of 4 stars; one submission).

Allele frequency attached by ClinVar (database versions not stated): gnomAD exomes below 0.00001; ExAC 0.00002.

Submission:

Labcorp Genetics (formerly Invitae), Labcorp
Classification: Uncertain significance. Last evaluated: 2025-08-06. Review status: criteria provided, single submitter. Criteria: Invitae Variant Classification Sherloc (09022015). Collection method: clinical testing. Allele origin: germline.
Comment: This sequence change replaces serine, which is neutral and polar, with cysteine, which is neutral and slightly polar, at codon 338 of the TFRC protein (p.Ser338Cys). This variant is present in population databases (rs776805794, gnomAD 0.02%). This variant has not been reported in the literature in individuals affected with TFRC-related conditions. ClinVar contains an entry for this variant (Variation ID: 2999496). Invitae Evidence Modeling of protein sequence and biophysical properties (such as structural, functional, and spatial information, amino acid conservation, physicochemical variation, residue mobility, and thermodynamic stability) indicates that this missense variant is expected to disrupt TFRC protein function with a positive predictive value of 80%. In summary, the available evidence is currently insufficient to determine the role of this variant in disease. Therefore, it has been classified as a Variant of Uncertain Significance.